The following is an entry in ClinVar:

NM_000535.6(PMS2):c.2276-?_*160+?del

Gene: PMS2 (PMS1 homolog 2, mismatch repair system component; minus strand).
Variant type: Deletion.
Coding change: c.2276-?_*160+?del on transcript NM_000535.6.
Other names: c.2276-?_*160+?del (LRG_161t1).
Identifiers: ClinVar variation 237904 (VCV000237904.1).

ClinVar aggregate classification (germline): Pathogenic (1 of 4 stars; one submission).

Conditions:
Lynch syndrome. Identifiers: Orphanet 144, MedGen C4552100, MONDO:0005835. Disease mechanism: loss of function.

Submission:

Labcorp Genetics (formerly Invitae), Labcorp
Classification: Pathogenic for Hereditary nonpolyposis colorectal neoplasms. Last evaluated: 2016-02-26. Review status: criteria provided, single submitter. Criteria: Invitae Variant Classification Sherloc (09022015). Collection method: clinical testing. Allele origin: germline.
Comment: This variant is a gross deletion of the genomic region encompassing exons 14-15 of the PMS2 gene. The 5' boundary is likely confined to intron 13. The 3' end of this event is unknown as it extends through the termination codon beyond the assayed region for this gene and may encompass additional genes. While this deletion is not anticipated to result in nonsense mediated decay, it is expected to create a truncated PMS2 protein. Truncating variants in PMS2 are known to be pathogenic. Gross deletions of exons 14-15 have been reported in an individual affected with endometrial cancer in the heterozygous state and in individuals with acute lymphoblastic leukemia and pleomorphic xanthoastrocytoma with cafe au lait spots (PMID: 21618646, 24440087). For these reasons, this variant has been classified as Pathogenic.